The following is an entry in ClinVar:

ClinVar aggregate classification (germline): Uncertain significance (1 of 4 stars; one submission).

Submission:

CeGaT Center for Human Genetics Tuebingen
Classification: Uncertain significance. Last evaluated: 2023-05-01. Review status: criteria provided, single submitter. Criteria: CeGaT Center For Human Genetics Tuebingen Variant Classification Criteria Version 2. Collection method: clinical testing. Allele origin: germline. Affected: yes. Observed: 1 variant allele.
Comment: OTULIN: PM2, BP4

NM_138348.6(OTULIN):c.468+4C>A

Gene: OTULIN (OTU deubiquitinase with linear linkage specificity; plus strand). Cytogenetic location: 5p15.2.
Variant type: single nucleotide variant.
Coding change: c.468+4C>A on transcript NM_138348.6 (MANE Select); 4 bases into the intron after coding-DNA position 468, C replaced by A.
Molecular consequence: intron variant.
Genome position (GRCh38, 1-based): chr5:14,681,611, C>A. VCF-style: chr5-14681611-C-A. GRCh37 (hg19) VCF-style: chr5-14681720-C-A.
Identifiers: ClinVar variation 2571216 (VCV002571216.27), dbSNP rs367819985, ClinGen allele CA2580613533.
Genomic context (GRCh38, chr5:14,681,611, plus strand): 5'-GCCATGAGCCAGGCTGTGGGGCTGCCGCCCTGGCTGCAGGACCCGGAGCTCATGCTGGTA[C>A]GCTGCTGCTGCAGGTTTGAGTCCAAAATGTTTCAAACAATTTTTGTGAGAAAACTTTCCC-3'